The following is an entry in ClinVar:

ClinVar aggregate classification (germline): Uncertain significance. Review status: criteria provided, multiple submitters, no conflicts (2 of 4 stars). 2 submissions from 2 submitters: Uncertain significance (2). Last evaluated 2023-10-03.

Allele frequency attached by ClinVar (database versions not stated): ExAC 0.00008.
gnomAD v4.1: 24 of 1,535,706 alleles (0.0016%); highest among the groups gnomAD compares: Middle Eastern, 0.017%; no homozygotes.

Submissions (2):

Labcorp Genetics (formerly Invitae), Labcorp
Classification: Uncertain significance. Last evaluated: 2023-10-03. Review status: criteria provided, single submitter. Criteria: Invitae Variant Classification Sherloc (09022015). Collection method: clinical testing. Allele origin: germline.
Comment: This sequence change replaces arginine, which is basic and polar, with tryptophan, which is neutral and slightly polar, at codon 940 of the PDZD7 protein (p.Arg940Trp). This variant is present in population databases (rs776218888, gnomAD 0.004%). This variant has not been reported in the literature in individuals affected with PDZD7-related conditions. ClinVar contains an entry for this variant (Variation ID: 1980462). Experimental studies and prediction algorithms are not available or were not evaluated, and the functional significance of this variant is currently unknown. In summary, the available evidence is currently insufficient to determine the role of this variant in disease. Therefore, it has been classified as a Variant of Uncertain Significance.

Blueprint Genetics
Classification: Uncertain significance. Last evaluated: 2023-01-19. Review status: criteria provided, single submitter. Criteria: ACMG Guidelines, 2015. Collection method: clinical testing. Allele origin: germline.

NM_001195263.2(PDZD7):c.2818C>T (p.Arg940Trp)

Gene: PDZD7 (PDZ domain containing 7; minus strand). Cytogenetic location: 10q24.31.
Variant type: single nucleotide variant.
Coding change: c.2818C>T on transcript NM_001195263.2 (MANE Select); coding-DNA position 2818, C replaced by T.
Protein change: p.Arg940Trp; replaces arginine 940 with tryptophan.
Molecular consequence: missense variant.
Genome position (GRCh38, 1-based): chr10:101,008,751, G>A on the plus strand (C>T on the coding strand, the complement: PDZD7 is on the minus strand). VCF-style: chr10-101008751-G-A. GRCh37 (hg19) VCF-style: chr10-102768508-G-A.
Other names: short protein forms R940W.
Identifiers: ClinVar variation 1980462 (VCV001980462.3), dbSNP rs776218888, ClinGen allele CA5653944.